The following is an entry in ClinVar:

NM_006231.4(POLE):c.2026+1G>C

Gene: POLE (DNA polymerase epsilon, catalytic subunit; minus strand). Cytogenetic location: 12q24.33.
Variant type: single nucleotide variant.
Coding change: c.2026+1G>C on transcript NM_006231.4 (MANE Select); the canonical splice donor site of the intron after coding-DNA position 2026, G replaced by C.
Molecular consequence: splice donor variant.
Genome position (GRCh38, 1-based): chr12:132,668,634, C>G on the plus strand (G>C on the coding strand, the complement: POLE is on the minus strand). VCF-style: chr12-132668634-C-G. GRCh37 (hg19) VCF-style: chr12-133245220-C-G.
Other names: c.2026+1G>C (NM_006231.2).
Identifiers: ClinVar variation 643056 (VCV000643056.12), dbSNP rs768964210, ClinGen allele CA6893737.

ClinVar aggregate classification (germline): Uncertain significance. Review status: criteria provided, multiple submitters, no conflicts (2 of 4 stars). 2 submissions from 2 submitters: Uncertain significance (2). Last evaluated 2025-06-12.

Conditions:
Hereditary cancer-predisposing syndrome. Also called: Neoplastic Syndromes, Hereditary; Tumor predisposition; Hereditary neoplastic syndrome; Hereditary Cancer Syndrome. Identifiers: Orphanet 140162, MedGen C0027672, MeSH D009386, MONDO:0015356.

Allele frequency attached by ClinVar (database versions not stated): gnomAD exomes below 0.00001 and 0.00001; TOPMed below 0.00001; ExAC 0.00001.
gnomAD v4.1: 4 of 1,609,872 alleles (0.00025%); highest among the groups gnomAD compares: Non-Finnish European, 0.00034%; no homozygotes.

Submissions (2):

Ambry Genetics
Classification: Uncertain significance for Hereditary cancer-predisposing syndrome. Last evaluated: 2025-06-12. Review status: criteria provided, single submitter. Criteria: Ambry Variant Classification Scheme 2023. Collection method: clinical testing. Allele origin: germline.
Comment: The c.2026+1G>C intronic variant results from a G to C substitution one nucleotide after coding exon 18 of the POLE gene. Alterations that disrupt the canonical splice site are expected to result in aberrant splicing. In silico splice site analysis predicts that this alteration will weaken the native splice donor site and will result in the creation or strengthening of a novel splice donor site. A resulting transcript is predicted to be in-frame and is not expected to trigger nonsense-mediated mRNAdecay; although, direct evidence is unavailable. This nucleotide position is highly conserved in available vertebrate species. Based on the available evidence, the clinical significance of this variant remains unclear.

Labcorp Genetics (formerly Invitae), Labcorp
Classification: Uncertain significance. Last evaluated: 2024-10-05. Review status: criteria provided, single submitter. Criteria: Invitae Variant Classification Sherloc (09022015). Collection method: clinical testing. Allele origin: germline.
Comment: This sequence change affects a donor splice site in intron 18 of the POLE gene. It is expected to disrupt RNA splicing. Variants that disrupt the donor or acceptor splice site typically lead to a loss of protein function (PMID: 16199547), and loss-of-function variants in POLE are known to be pathogenic (PMID: 23230001, 25948378, 30503519). This variant is present in population databases (rs768964210, gnomAD 0.0009%). This variant has not been reported in the literature in individuals affected with POLE-related conditions. ClinVar contains an entry for this variant (Variation ID: 643056). Studies have shown that disruption of this splice site is associated with altered splicing resulting in multiple RNA products (internal data). In summary, the available evidence is currently insufficient to determine the role of this variant in disease. Therefore, it has been classified as a Variant of Uncertain Significance.

Literature cited by the submitters: PubMed 16199547 (cited by Labcorp Genetics (formerly Invitae), Labcorp); PubMed 23230001 (cited by Labcorp Genetics (formerly Invitae), Labcorp); PubMed 25948378 (cited by Labcorp Genetics (formerly Invitae), Labcorp); PubMed 30503519 (cited by Labcorp Genetics (formerly Invitae), Labcorp).